The following is an entry in ClinVar:

ClinVar aggregate classification (germline): Benign/Likely benign. Review status: criteria provided, multiple submitters, no conflicts (2 of 4 stars). 3 submissions from 3 submitters: Benign (1); Likely benign (1). 1 of the submissions does not count toward it. Last evaluated 2026-01-08.

Conditions:
EXOC6B-related disorder. Also called: EXOC6B-related condition.

Allele frequency attached by ClinVar (database versions not stated): gnomAD exomes 0.00016 and 0.00040; ExAC 0.00050; 1000 Genomes Project 30x 0.00078; 1000 Genomes Project 0.00100; ESP Exome Variant Server 0.00150; gnomAD 0.00150 and 0.00163; TOPMed 0.00167.
gnomAD v4.1: 458 of 1,603,720 alleles (0.029%); highest among the groups gnomAD compares: African/African-American, 0.49%; 2 homozygotes.

Submissions (3):

Labcorp Genetics (formerly Invitae), Labcorp
Classification: Benign. Last evaluated: 2026-01-08. Review status: criteria provided, single submitter. Criteria: Invitae Variant Classification Sherloc (09022015). Collection method: clinical testing. Allele origin: germline.

Blueprint Genetics
Classification: Likely benign. Last evaluated: 2024-07-06. Review status: criteria provided, single submitter. Criteria: ACMG Guidelines, 2015. Collection method: clinical testing. Allele origin: germline.

PreventionGenetics, part of Exact Sciences
Classification: Likely benign for EXOC6B-related condition. Last evaluated: 2019-11-20. Review status: no assertion criteria provided. Collection method: clinical testing. Allele origin: germline. Not counted in ClinVar's aggregate classification.
Comment: This variant is classified as likely benign based on ACMG/AMP sequence variant interpretation guidelines (Richards et al. 2015 PMID: 25741868, with internal and published modifications).

NM_015189.3(EXOC6B):c.828C>T (p.Asp276=)

Gene: EXOC6B (exocyst complex component 6B; minus strand). Cytogenetic location: 2p13.2.
Variant type: single nucleotide variant.
Coding change: c.828C>T on transcript NM_015189.3 (MANE Select); coding-DNA position 828, C replaced by T.
Protein change: p.Asp276=; no amino-acid change (aspartic acid 276 retained).
Molecular consequence: synonymous variant. On other transcripts: non-coding transcript variant (2).
Genome position (GRCh38, 1-based): chr2:72,575,510, G>A on the plus strand (C>T on the coding strand, the complement: EXOC6B is on the minus strand). VCF-style: chr2-72575510-G-A. GRCh37 (hg19) VCF-style: chr2-72802639-G-A.
Other names: c.828C>T (NM_015189.2); c.828C>T, p.Asp276= (NM_001321729.2, NM_001321730.2, NM_001321731.2 and 1 more transcripts); c.489C>T, p.Asp163= (NM_001321734.2).
Identifiers: ClinVar variation 1586465 (VCV001586465.11), dbSNP rs143680902, ClinGen allele CA1708655.